The following is an entry in ClinVar:

ClinVar aggregate classification (germline): Uncertain significance (1 of 4 stars; one submission).

Conditions:
NCOA1-related disorder. Also called: NCOA1-related condition.

gnomAD v4.1: 1 of 1,613,350 alleles (0.000062%); highest among the groups gnomAD compares: Non-Finnish European, 0.000085%; no homozygotes.

Submission:

PreventionGenetics, part of Exact Sciences
Classification: Uncertain significance for NCOA1-related condition. Last evaluated: 2025-08-13. Review status: criteria provided, single submitter. Criteria: ACMG Guidelines, 2015. Collection method: clinical testing. Allele origin: germline.
Comment: The NCOA1 c.4282C>A variant is predicted to result in the amino acid substitution p.Gln1428Lys. To our knowledge, this variant has not been reported in the literature or in a large population database (gnomAD), indicating this variant is rare. At this time, the clinical significance of this variant is uncertain due to the absence of conclusive functional and genetic evidence.

NM_003743.5(NCOA1):c.4282C>A (p.Gln1428Lys)

Gene: NCOA1 (nuclear receptor coactivator 1; plus strand). Cytogenetic location: 2p23.3.
Variant type: single nucleotide variant.
Coding change: c.4282C>A on transcript NM_003743.5 (MANE Select); coding-DNA position 4282, C replaced by A.
Protein change: p.Gln1428Lys; replaces glutamine 1428 with lysine.
Molecular consequence: missense variant. On other transcripts: 3 prime UTR variant (5).
Genome position (GRCh38, 1-based): chr2:24,768,347, C>A. VCF-style: chr2-24768347-C-A. GRCh37 (hg19) VCF-style: chr2-24991216-C-A.
Other names: c.*139C>A (NM_001362950.1, NM_001362952.1, NM_001362955.1 and 1 more transcripts); c.*136C>A (NM_001362954.1); c.4279C>A, p.Gln1427Lys (NM_147233.2); short protein forms Q1427K, Q1428K.
Identifiers: ClinVar variation 4994497 (VCV004994497.1).